The following is an entry in ClinVar:

ClinVar aggregate classification (germline): Benign/Likely benign. Review status: criteria provided, multiple submitters, no conflicts (2 of 4 stars). 8 submissions from 8 submitters: Benign (1); Likely benign (6). 1 of the submissions does not count toward it. Last evaluated 2026-03-01.

Conditions:
Holoprosencephaly 4 (HPE4). Identifiers: Orphanet 2162, MedGen C1840528, MONDO:0007734, OMIM 142946.

Allele frequency attached by ClinVar (database versions not stated): gnomAD exomes 0.00026 and 0.00032; TOPMed 0.00027; gnomAD 0.00048 and 0.00053.
gnomAD v4.1: 483 of 1,614,210 alleles (0.03%); highest among the groups gnomAD compares: Middle Eastern, 0.69%; 1 homozygote.

Submissions (8):

CeGaT Center for Human Genetics Tuebingen
Classification: Likely benign. Last evaluated: 2026-03-01. Review status: criteria provided, single submitter. Criteria: CeGaT Center For Human Genetics Tuebingen Variant Classification Criteria Version 2. Collection method: clinical testing. Allele origin: germline. Affected: yes. Observed: 2 variant alleles.
Comment: TGIF1: BS2

Labcorp Genetics (formerly Invitae), Labcorp
Classification: Likely benign for Holoprosencephaly 4. Last evaluated: 2026-01-15. Review status: criteria provided, single submitter. Criteria: Invitae Variant Classification Sherloc (09022015). Collection method: clinical testing. Allele origin: germline.

Blueprint Genetics
Classification: Likely benign. Last evaluated: 2024-10-29. Review status: criteria provided, single submitter. Criteria: ACMG Guidelines, 2015. Collection method: clinical testing. Allele origin: germline.

Department of Pathology and Laboratory Medicine, Sinai Health System
Classification: Likely benign for Holoprosencephaly 4. Last evaluated: 2023-01-26. Review status: criteria provided, single submitter. Criteria: ACMG Guidelines, 2015. Collection method: research. Allele origin: germline.

Illumina Laboratory Services, Illumina
Classification: Benign for Holoprosencephaly 4. Last evaluated: 2017-04-28. Review status: criteria provided, single submitter. Criteria: ICSL Variant Classification Criteria 13 December 2019. Collection method: clinical testing. Allele origin: germline.
Comment: This variant was observed as part of a predisposition screen in an ostensibly healthy population. A literature search was performed for the gene, cDNA change, and amino acid change (where applicable). Publications were found based on this search. The evidence from the literature, in combination with allele frequency data from public databases where available, was sufficient to rule this variant out of causing disease. Therefore, this variant is classified as benign.

GeneDx
Classification: Likely benign. Last evaluated: 2015-07-09. Review status: criteria provided, single submitter. Criteria: GeneDx Variant Classification (06012015). Collection method: clinical testing. Allele origin: germline. Affected: yes.
Comment: This variant is considered likely benign or benign based on one or more of the following criteria: it is a conservative change, it occurs at a poorly conserved position in the protein, it is predicted to be benign by multiple in silico algorithms, and/or has population frequency not consistent with disease.

Breakthrough Genomics
Classification: Likely benign. Review status: criteria provided, single submitter. Criteria: ACMG Guidelines, 2015. Collection method: not provided. Allele origin: germline. Inheritance: Autosomal dominant inheritance. Affected: yes.

OMIM
Classification: Pathogenic for HOLOPROSENCEPHALY 4. Last evaluated: 2003-02-01. Review status: no assertion criteria provided. Collection method: literature only. Allele origin: germline. Not counted in ClinVar's aggregate classification.

Literature cited by the submitters: PubMed 24123366 (cited by Illumina Laboratory Services, Illumina); PubMed 12522553 (cited by Illumina Laboratory Services, Illumina and OMIM); PubMed 16962354 (cited by Illumina Laboratory Services, Illumina); PubMed 30157302 (cited by OMIM).

NM_003244.4(TGIF1):c.320A>T (p.Gln107Leu)

Gene: TGIF1 (TGFB induced factor homeobox 1; plus strand). Cytogenetic location: 18p11.31.
Variant type: single nucleotide variant.
Coding change: c.320A>T on transcript NM_003244.4 (MANE Select); coding-DNA position 320, A replaced by T.
Protein change: p.Gln107Leu; replaces glutamine 107 with leucine.
Molecular consequence: missense variant.
Genome position (GRCh38, 1-based): chr18:3,457,441, A>T. VCF-style: chr18-3457441-A-T. GRCh37 (hg19) VCF-style: chr18-3457439-A-T.
Other names: c.260A>T, p.Gln87Leu (NM_173209.3, NM_173210.4, NM_173211.2 and 5 more transcripts); c.329A>T, p.Gln110Leu (NM_001278682.2); c.320A>T, p.Gln107Leu (NM_001278684.2, NM_173208.3); c.362A>T, p.Gln121Leu (NM_173207.4); short protein forms Q107L, Q121L, Q87L, Q110L.
Identifiers: ClinVar variation 6984 (VCV000006984.23), dbSNP rs28939693, ClinGen allele CA254034.